The following is an entry in ClinVar:

NM_000059.4(BRCA2):c.9326T>C (p.Leu3109Pro)

Gene: BRCA2 (BRCA2 DNA repair associated; plus strand). Cytogenetic location: 13q13.1.
Variant type: single nucleotide variant.
Coding change: c.9326T>C on transcript NM_000059.4 (MANE Select); coding-DNA position 9326, T replaced by C.
Protein change: p.Leu3109Pro; replaces leucine 3109 with proline.
Molecular consequence: missense variant. On other transcripts: non-coding transcript variant (1).
Genome position (GRCh38, 1-based): chr13:32,394,758, T>C. VCF-style: chr13-32394758-T-C. GRCh37 (hg19) VCF-style: chr13-32968895-T-C.
Other names: c.9230T>C, p.Leu3077Pro (NM_001406719.1); c.9275T>C, p.Leu3092Pro (NM_001406720.1); c.4394T>C, p.Leu1465Pro (NM_001406721.1); c.2909T>C, p.Leu970Pro (NM_001406722.1); short protein forms L970P, L1465P, L3077P, L3109P, L3092P.
Identifiers: ClinVar variation 2823066 (VCV002823066.3), dbSNP rs2137652628, ClinGen allele CA387760988.

ClinVar aggregate classification (germline): Uncertain significance (1 of 4 stars; one submission).

Conditions:
Hereditary breast ovarian cancer syndrome. Also called: Hereditary breast and/or ovarian cancer syndrome; Hereditary breast and ovarian cancer; Hereditary breast and ovarian cancer syndrome; Breast and ovarian cancer; Hereditary breast and ovarian cancer syndrome (HBOC); BRCA1- and BRCA2-Associated Hereditary Breast and Ovarian Cancer. Identifiers: Orphanet 145, MedGen C0677776, MeSH D061325, MONDO:0003582. Disease mechanism: loss of function.

Submission:

Labcorp Genetics (formerly Invitae), Labcorp
Classification: Uncertain significance for Hereditary breast ovarian cancer syndrome. Last evaluated: 2023-01-18. Review status: criteria provided, single submitter. Criteria: Invitae Variant Classification Sherloc (09022015). Collection method: clinical testing. Allele origin: germline.
Comment: This sequence change replaces leucine, which is neutral and non-polar, with proline, which is neutral and non-polar, at codon 3109 of the BRCA2 protein (p.Leu3109Pro). This variant is not present in population databases (gnomAD no frequency). This variant has not been reported in the literature in individuals affected with BRCA2-related conditions. Advanced modeling of protein sequence and biophysical properties (such as structural, functional, and spatial information, amino acid conservation, physicochemical variation, residue mobility, and thermodynamic stability) performed at Invitae indicates that this missense variant is not expected to disrupt BRCA2 protein function. In summary, the available evidence is currently insufficient to determine the role of this variant in disease. Therefore, it has been classified as a Variant of Uncertain Significance.